The following is an entry in ClinVar:

ClinVar aggregate classification (germline): Conflicting classifications of pathogenicity. Review status: criteria provided, conflicting classifications (1 of 4 stars). 5 submissions from 5 submitters: Uncertain significance (3); Likely benign (2). Last evaluated 2025-12-28.

Conditions:
Hermansky-Pudlak syndrome 1 (HPS1). Also called: DELTA STORAGE POOL DISEASE. Identifiers: Orphanet 231500, Orphanet 79430, MedGen C2931875, MONDO:0008748, OMIM 203300.

Allele frequency attached by ClinVar (database versions not stated): ExAC 0.00007; gnomAD 0.00010; TOPMed 0.00015; 1000 Genomes Project 0.00040; 1000 Genomes Project 30x 0.00047.

Submissions (5):

Labcorp Genetics (formerly Invitae), Labcorp
Classification: Likely benign. Last evaluated: 2025-12-28. Review status: criteria provided, single submitter. Criteria: Invitae Variant Classification Sherloc (09022015). Collection method: clinical testing. Allele origin: germline.

Women's Health and Genetics/Laboratory Corporation of America, LabCorp
Classification: Likely benign. Last evaluated: 2025-11-10. Review status: criteria provided, single submitter. Criteria: LabCorp Variant Classification Summary - May 2015. Collection method: clinical testing. Allele origin: germline.
Comment: Variant summary: HPS1 c.242A>T (p.Tyr81Phe) results in a conservative amino acid change in the encoded protein sequence. Algorithms developed to predict the effect of missense changes on protein structure and function are either unavailable or do not agree on the potential impact of this missense change. The variant allele was found at a frequency of 8e-05 in 251496 control chromosomes, predominantly at a frequency of 0.0011 within the East Asian subpopulation in the gnomAD database. The observed variant frequency within East Asian control individuals in the gnomAD database exceeds the estimated maximal expected allele frequency for disease-causing variants in HPS1. To our knowledge, no occurrence of c.242A>T in individuals affected with HPS1-related conditions and no experimental evidence demonstrating its impact on protein function have been reported. The following publications have been ascertained in the context of this evaluation (PMID: 32084423, 37741878). ClinVar contains an entry for this variant (Variation ID: 435449). Based on the evidence outlined above, the variant was classified as likely benign.

Fulgent Genetics
Classification: Uncertain significance for Hermansky-Pudlak syndrome 1. Last evaluated: 2024-06-03. Review status: criteria provided, single submitter. Criteria: ACMG Guidelines, 2015. Collection method: clinical testing. Allele origin: germline.

Blueprint Genetics
Classification: Uncertain significance. Last evaluated: 2024-05-22. Review status: criteria provided, single submitter. Criteria: ACMG Guidelines, 2015. Collection method: clinical testing. Allele origin: germline.

Genetic Services Laboratory, University of Chicago
Classification: Uncertain significance. Last evaluated: 2016-02-26. Review status: criteria provided, single submitter. Criteria: ACMG Guidelines, 2015. Collection method: clinical testing. Allele origin: germline. Affected: no.

Literature cited by the submitters: PubMed 32084423 (cited by Women's Health and Genetics/Laboratory Corporation of America, LabCorp); PubMed 37741878 (cited by Women's Health and Genetics/Laboratory Corporation of America, LabCorp).

NM_000195.5(HPS1):c.242A>T (p.Tyr81Phe)

Gene: HPS1 (HPS1 biogenesis of lysosomal organelles complex 3 subunit 1; minus strand). Cytogenetic location: 10q24.2.
Variant type: single nucleotide variant.
Coding change: c.242A>T on transcript NM_000195.5 (MANE Select); coding-DNA position 242, A replaced by T.
Protein change: p.Tyr81Phe; replaces tyrosine 81 with phenylalanine.
Molecular consequence: missense variant. On other transcripts: 5 prime UTR variant (3).
Genome position (GRCh38, 1-based): chr10:98,435,648, T>A on the plus strand (A>T on the coding strand, the complement: HPS1 is on the minus strand). VCF-style: chr10-98435648-T-A. GRCh37 (hg19) VCF-style: chr10-100195405-T-A.
Other names: c.-675A>T (NM_001311345.2); c.242A>T, p.Tyr81Phe (NM_001322476.2, NM_001322477.2, NM_001322478.2 and 8 more transcripts); c.16A>T, p.Met6Leu (NM_001322483.2, NM_001322484.2, NM_001322485.2); c.-774A>T (NM_001322487.2); c.-532A>T (NM_001322489.2); short protein forms Y81F, M6L.
Identifiers: ClinVar variation 435449 (VCV000435449.12), dbSNP rs188320187, ClinGen allele CA5639470.